The following is an entry in ClinVar:

ClinVar aggregate classification (germline): Uncertain significance (1 of 4 stars; one submission).

Conditions:
Inborn genetic diseases. Identifiers: MedGen C0950123, MeSH D030342.

gnomAD v4.1: 1 of 1,614,230 alleles (0.000062%); highest among the groups gnomAD compares: Non-Finnish European, 0.000085%; no homozygotes.

Submission:

Ambry Genetics
Classification: Uncertain significance for Inborn genetic diseases. Last evaluated: 2026-06-09. Review status: criteria provided, single submitter. Criteria: Ambry Variant Classification Scheme 2023. Collection method: clinical testing. Allele origin: germline.
Comment: The p.R1273G variant (also known as c.3817C>G), located in coding exon 13 of the ASXL1 gene, results from a C to G substitution at nucleotide position 3817. The arginine at codon 1273 is replaced by glycine, an amino acid with dissimilar properties. This amino acid position is conserved. In addition, this alteration is predicted to be tolerated by in silico analysis. Based on the available evidence, the clinical significance of this variant remains unclear.

NM_015338.6(ASXL1):c.3817C>G (p.Arg1273Gly)

Gene: ASXL1 (ASXL transcriptional regulator 1; plus strand). Cytogenetic location: 20q11.21.
Variant type: single nucleotide variant.
Coding change: c.3817C>G on transcript NM_015338.6 (MANE Select); coding-DNA position 3817, C replaced by G.
Protein change: p.Arg1273Gly; replaces arginine 1273 with glycine.
Molecular consequence: missense variant.
Genome position (GRCh38, 1-based): chr20:32,436,529, C>G. VCF-style: chr20-32436529-C-G. GRCh37 (hg19) VCF-style: chr20-31024332-C-G.
Other names: c.3634C>G, p.Arg1212Gly (NM_001363734.1); short protein forms R1212G, R1273G.
Identifiers: ClinVar variation 4865015 (VCV004865015.1).